The following is an entry in ClinVar:

ClinVar aggregate classification (germline): Uncertain significance (1 of 4 stars; one submission).

Allele frequency attached by ClinVar (database versions not stated): gnomAD exomes below 0.00001; gnomAD 0.00001.
gnomAD v4.1: 7 of 1,614,112 alleles (0.00043%); highest among the groups gnomAD compares: Admixed American, 0.0017%; no homozygotes.

Submission:

GeneDx
Classification: Uncertain significance. Last evaluated: 2023-08-09. Review status: criteria provided, single submitter. Criteria: GeneDx Variant Classification Process June 2021. Collection method: clinical testing. Allele origin: germline. Affected: yes.
Comment: Not observed at significant frequency in large population cohorts (gnomAD); In silico analysis supports that this missense variant does not alter protein structure/function; Has not been previously published as pathogenic or benign to our knowledge

NM_015330.6(SPECC1L):c.913G>A (p.Asp305Asn)

Genes: SPECC1L (sperm antigen with calponin homology and coiled-coil domains 1 like; plus strand), SPECC1L-ADORA2A (SPECC1L-ADORA2A readthrough (NMD candidate); plus strand). Cytogenetic location: 22q11.23.
Variant type: single nucleotide variant.
Coding change: c.913G>A on transcript NM_015330.6 (MANE Select); coding-DNA position 913, G replaced by A.
Protein change: p.Asp305Asn; replaces aspartic acid 305 with asparagine.
Molecular consequence: missense variant. On other transcripts: non-coding transcript variant (1).
Genome position (GRCh38, 1-based): chr22:24,321,893, G>A. VCF-style: chr22-24321893-G-A. GRCh37 (hg19) VCF-style: chr22-24717861-G-A.
Other names: c.913G>A, p.Asp305Asn (NM_001145468.4, NM_001254732.3); short protein forms D305N.
Identifiers: ClinVar variation 2505805 (VCV002505805.3), dbSNP rs2040730204, ClinGen allele CA410966356.